The following is an entry in ClinVar:

NM_000218.3(KCNQ1):c.1515-4G>A

Gene: KCNQ1 (potassium voltage-gated channel subfamily Q member 1; plus strand). Cytogenetic location: 11p15.5.
Variant type: single nucleotide variant.
Coding change: c.1515-4G>A on transcript NM_000218.3 (MANE Select); 4 bases into the intron before coding-DNA position 1515, G replaced by A.
Molecular consequence: intron variant.
Genome position (GRCh38, 1-based): chr11:2,768,840, G>A. VCF-style: chr11-2768840-G-A. GRCh37 (hg19) VCF-style: chr11-2790070-G-A.
Other names: c.1245-4G>A (NM_001406837.1); c.1419-4G>A (NM_001406836.1); c.975-4G>A (NM_001406838.1); c.1134-4G>A (NM_181798.2).
Identifiers: ClinVar variation 3376677 (VCV003376677.1).

ClinVar aggregate classification (germline): Uncertain significance (1 of 4 stars; one submission).

Conditions:
Long QT syndrome 1 (LQT1). Identifiers: Orphanet 101016, Orphanet 768, MedGen C4551647, MONDO:0100316, OMIM 192500, MONDO:0008646.

Submission:

Victorian Clinical Genetics Services, Murdoch Childrens Research Institute
Classification: Uncertain significance for Long QT syndrome 1. Last evaluated: 2022-02-02. Review status: criteria provided, single submitter. Criteria: ACMG Guidelines, 2015. Collection method: clinical testing. Allele origin: germline. Inheritance: Autosomal dominant inheritance. Affected: yes.
Comment: Based on the classification scheme VCGS_Germline_v1.3.4, this variant is classified as VUS-3C. Following criteria are met: 0103 - Dominant negative, loss of function and gain of function are known mechanisms of disease in this gene. Gain of function variants result exclusively in short QT syndrome (MIM#609621), while dominant negative and loss of function variants can cause long QT syndrome (LQTS, MIM#192500), atrial fibrillation (MIM#607554) and Jervell and Lange-Nielsen syndrome (JLNS, MIM#220400) (OMIM, PMIDs: 19632626, 28438721). (I) 0108 - This gene is known to be associated with both recessive and dominant disease. JLNS is characterized by congenital, bilateral deafness and variable degrees of QT prolongation, and is the only condition caused by biallelic variants (PMID: 28438721). (I) 0112 - The condition associated with this gene has incomplete penetrance (OMIM, PMID: 20301308). (I) 0212 - Non-canonical splice site variant without proven consequence on splicing (no functional evidence available). (SP) 0251 - This variant is heterozygous. (I) 0301 - Variant is absent from gnomAD (both v2 and v3). (SP) 0506 - Abnormal splicing is not predicted and nucleotide is poorly conserved. (SB) 0705 - No comparable splice variants have previous evidence for pathogenicity. (I) 0807 - This variant has no previous evidence of pathogenicity. (I) 0905 - No published segregation evidence has been identified for this variant. (I) 1007 - No published functional evidence has been identified for this variant. (I) 1208 - Inheritance information for this variant is not currently available in this individual. (I) Legend: (SP) - Supporting pathogenic, (I) - Information, (SB) - Supporting benign

Literature cited by the submitters: PubMed 19632626; PubMed 20301308; PubMed 28438721.